The following is an entry in ClinVar:

ClinVar aggregate classification (germline): Conflicting classifications of pathogenicity. Review status: criteria provided, conflicting classifications (1 of 4 stars). 2 submissions from 2 submitters: Uncertain significance (1); Likely benign (1). Last evaluated 2020-01-20.

Conditions:
Cardiac arrhythmia. Also called: Cardiac rhythm disease; Arrhythmia. Identifiers: MedGen C0003811, MONDO:0007263, HP:0011675.

Allele frequency attached by ClinVar (database versions not stated): gnomAD exomes 0.00001; 1000 Genomes Project 0.00020; gnomAD 0.00002 and 0.00001; 1000 Genomes Project 30x 0.00016; ExAC 0.00002.
gnomAD v4.1: 21 of 1,612,718 alleles (0.0013%); highest among the groups gnomAD compares: South Asian, 0.022%; no homozygotes.

Submissions (2):

GeneDx
Classification: Uncertain significance. Last evaluated: 2020-01-20. Review status: criteria provided, single submitter. Criteria: GeneDx Variant Classification Process June 2021. Collection method: clinical testing. Allele origin: germline. Affected: yes.
Comment: Not observed at a significant frequency in large population cohorts (Lek et al., 2016); Nonsense variant predicted to result in protein truncation, although loss-of-function variants have not been reported downstream of this position in the protein; Has not been previously published as pathogenic or benign to our knowledge

Color Diagnostics, LLC DBA Color Health
Classification: Likely benign for Arrhythmia. Last evaluated: 2018-12-01. Review status: criteria provided, single submitter. Criteria: ACMG Guidelines, 2015. Collection method: clinical testing. Allele origin: germline.

NM_000238.4(KCNH2):c.2398+98G>A

Gene: KCNH2 (potassium voltage-gated channel subfamily H member 2; minus strand). Cytogenetic location: 7q36.1.
Variant type: single nucleotide variant.
Coding change: c.2398+98G>A on transcript NM_000238.4 (MANE Select); 98 bases into the intron after coding-DNA position 2398, G replaced by A.
Molecular consequence: intron variant. On other transcripts: nonsense (5).
Genome position (GRCh38, 1-based): chr7:150,950,070, C>T on the plus strand (G>A on the coding strand, the complement: KCNH2 is on the minus strand). VCF-style: chr7-150950070-C-T. GRCh37 (hg19) VCF-style: chr7-150647158-C-T.
Other names: c.1476G>A, p.Trp492Ter (NM_001204798.2); c.2319G>A, p.Trp773Ter (NM_001406755.1); c.2208G>A, p.Trp736Ter (NM_001406756.1); c.2196G>A, p.Trp732Ter (NM_001406757.1); c.2496G>A, p.Trp832Ter (NM_172056.3); c.1378+98G>A (NM_172057.3); short protein forms W492*, W832*, W732*, W773*, W736*.
Identifiers: ClinVar variation 918943 (VCV000918943.7), dbSNP rs545247794, ClinGen allele CA032379.